The following is an entry in ClinVar:

NM_000701.8(ATP1A1):c.2152G>A (p.Gly718Ser)

Genes: ATP1A1 (ATPase Na+/K+ transporting subunit alpha 1; plus strand), ATP1A1-AS1 (ATP1A1 antisense RNA 1; minus strand). Cytogenetic location: 1p13.1.
Variant type: single nucleotide variant.
Coding change: c.2152G>A on transcript NM_000701.8 (MANE Select); coding-DNA position 2152, G replaced by A.
Protein change: p.Gly718Ser; replaces glycine 718 with serine.
Molecular consequence: missense variant.
Genome position (GRCh38, 1-based): chr1:116,398,648, G>A. VCF-style: chr1-116398648-G-A. GRCh37 (hg19) VCF-style: chr1-116941270-G-A.
Other names: c.2152G>A, p.Gly718Ser (NM_001160233.2); c.2059G>A, p.Gly687Ser (NM_001160234.2); short protein forms G687S, G718S.
Identifiers: ClinVar variation 2576792 (VCV002576792.5), dbSNP rs2525880786, ClinGen allele CA341773027.

ClinVar aggregate classification (germline): Uncertain significance. Review status: criteria provided, multiple submitters, no conflicts (2 of 4 stars). 2 submissions from 2 submitters: Uncertain significance (2). Last evaluated 2024-12-18.

Submissions (2):

GeneDx
Classification: Uncertain significance. Last evaluated: 2024-12-18. Review status: criteria provided, single submitter. Criteria: GeneDx Variant Classification Process June 2021. Collection method: clinical testing. Allele origin: germline.
Comment: In silico analysis supports that this missense variant has a deleterious effect on protein structure/function; Not observed at significant frequency in large population cohorts (gnomAD); This variant is associated with the following publications: (PMID: 36738336, 35110381)

Labcorp Genetics (formerly Invitae), Labcorp
Classification: Uncertain significance. Last evaluated: 2024-01-14. Review status: criteria provided, single submitter. Criteria: Invitae Variant Classification Sherloc (09022015). Collection method: clinical testing. Allele origin: germline.
Comment: This sequence change replaces glycine, which is neutral and non-polar, with serine, which is neutral and polar, at codon 718 of the ATP1A1 protein (p.Gly718Ser). This variant is not present in population databases (gnomAD no frequency). This missense change has been observed in individual(s) with clinical features of ATP1A1-related conditions (PMID: 35110381). ClinVar contains an entry for this variant (Variation ID: 2576792). Advanced modeling of protein sequence and biophysical properties (such as structural, functional, and spatial information, amino acid conservation, physicochemical variation, residue mobility, and thermodynamic stability) performed at Invitae indicates that this missense variant is expected to disrupt ATP1A1 protein function with a positive predictive value of 80%. Experimental studies have shown that this missense change affects ATP1A1 function (PMID: 35110381). In summary, the available evidence is currently insufficient to determine the role of this variant in disease. Therefore, it has been classified as a Variant of Uncertain Significance.

Literature cited by the submitters: PubMed 35110381 (cited by Labcorp Genetics (formerly Invitae), Labcorp).